The following is an entry in ClinVar:

ClinVar aggregate classification (germline): Likely pathogenic. Review status: criteria provided, multiple submitters, no conflicts (2 of 4 stars). 2 submissions from 2 submitters: Likely pathogenic (2). Last evaluated 2024-04-10.

Conditions:
Episodic ataxia type 2 (EA2). Also called: EPISODIC ATAXIA, NYSTAGMUS-ASSOCIATED; ACETAZOLAMIDE-RESPONSIVE HEREDITARY PAROXYSMAL CEREBELLAR ATAXIA; ATAXIA, EPISODIC, WITH NYSTAGMUS; ATAXIA, FAMILIAL PAROXYSMAL; CEREBELLAR ATAXIA, PAROXYSMAL, ACETAZOLAMIDE-RESPONSIVE; CEREBELLOPATHY, HEREDITARY PAROXYSMAL. Identifiers: Orphanet 97, MedGen C1720416, MONDO:0007163, OMIM 108500.
Developmental and epileptic encephalopathy, 42 (DEE42A). Also called: Epileptic encephalopathy, early infantile, 42; DEVELOPMENTAL AND EPILEPTIC ENCEPHALOPATHY 42A; EPILEPTIC ENCEPHALOPATHY, EARLY INFANTILE, 42A. Identifiers: MedGen C4310716, MONDO:0014917, OMIM 617106.
Global developmental delay (DD). Also called: Cognitive delay. Identifiers: MedGen C0557874, HP:0001263. Disease mechanism: loss of function.
Generalized hypotonia. Identifiers: MedGen C1858120, HP:0001290.
Strabismus. Identifiers: MedGen C0038379, MONDO:0003432, HP:0000486.

Submissions (2):

Labcorp Genetics (formerly Invitae), Labcorp
Classification: Likely pathogenic for Developmental and epileptic encephalopathy, 42; Episodic ataxia type 2. Last evaluated: 2024-04-10. Review status: criteria provided, single submitter. Criteria: Invitae Variant Classification Sherloc (09022015). Collection method: clinical testing. Allele origin: germline.
Comment: This sequence change replaces alanine, which is neutral and non-polar, with serine, which is neutral and polar, at codon 1808 of the CACNA1A protein (p.Ala1808Ser). This variant is not present in population databases (gnomAD no frequency). This missense change has been observed in individual(s) with clinical features of CACNA1A-related conditions (Invitae). ClinVar contains an entry for this variant (Variation ID: 523409). Advanced modeling of protein sequence and biophysical properties (such as structural, functional, and spatial information, amino acid conservation, physicochemical variation, residue mobility, and thermodynamic stability) performed at Invitae indicates that this missense variant is expected to disrupt CACNA1A protein function with a positive predictive value of 95%. This variant disrupts the p.Ala1808 amino acid residue in CACNA1A. Other variant(s) that disrupt this residue have been determined to be pathogenic (PMID: 35217970; Invitae). This suggests that this residue is clinically significant, and that variants that disrupt this residue are likely to be disease-causing. In summary, the currently available evidence indicates that the variant is pathogenic, but additional data are needed to prove that conclusively. Therefore, this variant has been classified as Likely Pathogenic.

Centre for Mendelian Genomics, University Medical Centre Ljubljana
Classification: Likely pathogenic for Generalized hypotonia; Global developmental delay; Strabismus. Last evaluated: 2017-01-01. Review status: criteria provided, single submitter. Criteria: ACMG Guidelines, 2015. Collection method: clinical testing. Allele origin: unknown. Affected: yes.

Literature cited by the submitters: PubMed 35217970 (cited by Labcorp Genetics (formerly Invitae), Labcorp).

NM_001127222.2(CACNA1A):c.5419G>T (p.Ala1807Ser)

Gene: CACNA1A (calcium voltage-gated channel subunit alpha1 A; minus strand). Cytogenetic location: 19p13.13.
Variant type: single nucleotide variant.
Coding change: c.5419G>T on transcript NM_001127222.2 (MANE Select); coding-DNA position 5419, G replaced by T.
Protein change: p.Ala1807Ser; replaces alanine 1807 with serine.
Molecular consequence: missense variant.
Genome position (GRCh38, 1-based): chr19:13,230,191, C>A on the plus strand (G>T on the coding strand, the complement: CACNA1A is on the minus strand). VCF-style: chr19-13230191-C-A. GRCh37 (hg19) VCF-style: chr19-13341005-C-A.
Other names: c.5437G>T, p.Ala1813Ser (NM_000068.4, NM_023035.3); c.5422G>T, p.Ala1808Ser (NM_001127221.2); c.5428G>T, p.Ala1810Ser (NM_001174080.2); short protein forms A1808S, A1807S, A1810S, A1813S.
Identifiers: ClinVar variation 523409 (VCV000523409.4), dbSNP rs1555736565, ClinGen allele CA404333760.